The following is an entry in ClinVar:

ClinVar aggregate classification (germline): Uncertain significance. Review status: criteria provided, multiple submitters, no conflicts (2 of 4 stars). 2 submissions from 2 submitters: Uncertain significance (2). Last evaluated 2026-04-15.

Conditions:
Long QT syndrome (LQTS). Identifiers: MedGen C0023976, MeSH D008133, MONDO:0002442. Disease mechanism: loss of function. Inheritance: Various modes of inheritance.

gnomAD v4.1: 9 of 1,613,904 alleles (0.00056%); highest among the groups gnomAD compares: Middle Eastern, 0.016%; no homozygotes.

Submissions (2):

GeneDx
Classification: Uncertain significance. Last evaluated: 2026-04-15. Review status: criteria provided, single submitter. Criteria: GeneDx Variant Classification Process June 2021. Collection method: clinical testing. Allele origin: germline.
Comment: Not observed at significant frequency in large population cohorts (gnomAD); In silico analysis supports that this missense variant has a deleterious effect on protein structure/function; Has not been previously published as pathogenic or benign to our knowledge

Labcorp Genetics (formerly Invitae), Labcorp
Classification: Uncertain significance for Long QT syndrome. Last evaluated: 2025-04-03. Review status: criteria provided, single submitter. Criteria: Invitae Variant Classification Sherloc (09022015). Collection method: clinical testing. Allele origin: germline.
Comment: This sequence change replaces threonine, which is neutral and polar, with isoleucine, which is neutral and non-polar, at codon 1954 of the CACNA1C protein (p.Thr1954Ile). This variant is not present in population databases (gnomAD no frequency). This variant has not been reported in the literature in individuals affected with CACNA1C-related conditions. Invitae Evidence Modeling of protein sequence and biophysical properties (such as structural, functional, and spatial information, amino acid conservation, physicochemical variation, residue mobility, and thermodynamic stability) indicates that this missense variant is not expected to disrupt CACNA1C protein function with a negative predictive value of 95%. In summary, the available evidence is currently insufficient to determine the role of this variant in disease. Therefore, it has been classified as a Variant of Uncertain Significance.

NM_000719.7(CACNA1C):c.5861C>T (p.Thr1954Ile)

Genes: CACNA1C (calcium voltage-gated channel subunit alpha1 C; plus strand), CACNA1C-AS1 (CACNA1C antisense RNA 1; minus strand). Cytogenetic location: 12p13.33.
Variant type: single nucleotide variant.
Coding change: c.5861C>T on transcript NM_000719.7 (MANE Select); coding-DNA position 5861, C replaced by T.
Protein change: p.Thr1954Ile; replaces threonine 1954 with isoleucine.
Molecular consequence: missense variant.
Genome position (GRCh38, 1-based): chr12:2,688,523, C>T. VCF-style: chr12-2688523-C-T. GRCh37 (hg19) VCF-style: chr12-2797689-C-T.
Other names: c.6005C>T, p.Thr2002Ile (NM_001129827.2); c.5984C>T, p.Thr1995Ile (NM_001129829.2); c.5966C>T, p.Thr1989Ile (NM_001129830.3, NM_001167624.3); c.5945C>T, p.Thr1982Ile (NM_001129831.2); c.5921C>T, p.Thr1974Ile (NM_001129832.2); c.5918C>T, p.Thr1973Ile (NM_001129833.2, NM_001129834.2, NM_001129835.2); c.5912C>T, p.Thr1971Ile (NM_001129836.2); c.5885C>T, p.Thr1962Ile (NM_001129837.2, NM_001129838.2); and 6 more; short protein forms T1943I, T1951I, T1954I, T1960I, T1962I, T1971I, T1973I, T1974I.
Identifiers: ClinVar variation 3900538 (VCV003900538.3).